The following is an entry in ClinVar:

NM_005529.7(HSPG2):c.7244C>G (p.Pro2415Arg)

Gene: HSPG2 (heparan sulfate proteoglycan 2; minus strand). Cytogenetic location: 1p36.12.
Variant type: single nucleotide variant.
Coding change: c.7244C>G on transcript NM_005529.7 (MANE Select); coding-DNA position 7244, C replaced by G.
Protein change: p.Pro2415Arg; replaces proline 2415 with arginine.
Molecular consequence: missense variant.
Genome position (GRCh38, 1-based): chr1:21,850,413, G>C on the plus strand (C>G on the coding strand, the complement: HSPG2 is on the minus strand). VCF-style: chr1-21850413-G-C. GRCh37 (hg19) VCF-style: chr1-22176906-G-C.
Other names: c.7247C>G, p.Pro2416Arg (NM_001291860.2); short protein forms P2416R, P2415R.
Identifiers: ClinVar variation 1367560 (VCV001367560.8), dbSNP rs1185405772, ClinGen allele CA338925412.
Genomic context (GRCh38, chr1:21,850,413, plus strand): 5'-AGCTACTCACCAGGCACTGAGCCCGCAGGCTCAATGGTGACCAGGACAGAGGCCTCTAGA[G>C]GCACGGAGCTGCCCAACACTCGGCACACGTACTCGCCCGAGTCGGCGGGGGACGCTTGGT-3'
Protein context (NP_005520.4, residues 2405-2425): YVCRVLGSSV[Pro2415Arg]LEASVLVTIE

ClinVar aggregate classification (germline): Uncertain significance (1 of 4 stars; one submission).

Submission:

Labcorp Genetics (formerly Invitae), Labcorp
Classification: Uncertain significance. Last evaluated: 2024-10-22. Review status: criteria provided, single submitter. Criteria: Invitae Variant Classification Sherloc (09022015). Collection method: clinical testing. Allele origin: germline.
Comment: This sequence change replaces proline, which is neutral and non-polar, with arginine, which is basic and polar, at codon 2415 of the HSPG2 protein (p.Pro2415Arg). This variant is not present in population databases (gnomAD no frequency). This variant has not been reported in the literature in individuals affected with HSPG2-related conditions. ClinVar contains an entry for this variant (Variation ID: 1367560). An algorithm developed to predict the effect of missense changes on protein structure and function (PolyPhen-2) suggests that this variant is likely to be disruptive. In summary, the available evidence is currently insufficient to determine the role of this variant in disease. Therefore, it has been classified as a Variant of Uncertain Significance.